The following is an entry in ClinVar:

ClinVar aggregate classification (germline): Uncertain significance. Review status: criteria provided, multiple submitters, no conflicts (2 of 4 stars). 2 submissions from 2 submitters: Uncertain significance (2). Last evaluated 2024-11-05.

Conditions:
Hereditary cancer-predisposing syndrome. Also called: Neoplastic Syndromes, Hereditary; Hereditary Cancer Syndrome; Tumor predisposition; Hereditary neoplastic syndrome. Identifiers: Orphanet 140162, MedGen C0027672, MeSH D009386, MONDO:0015356.

Allele frequency attached by ClinVar (database versions not stated): gnomAD exomes below 0.00001; TOPMed below 0.00001.
gnomAD v4.1: 1 of 1,613,970 alleles (0.000062%); highest among the groups gnomAD compares: African/African-American, 0.0013%; no homozygotes.

Submissions (2):

Ambry Genetics
Classification: Uncertain significance for Hereditary cancer-predisposing syndrome. Last evaluated: 2024-11-05. Review status: criteria provided, single submitter. Criteria: Ambry Variant Classification Scheme 2023. Collection method: clinical testing. Allele origin: germline.
Comment: The p.R457G variant (also known as c.1369A>G), located in coding exon 9 of the MSH3 gene, results from an A to G substitution at nucleotide position 1369. The arginine at codon 457 is replaced by glycine, an amino acid with dissimilar properties. This amino acid position is conserved. In addition, this alteration is predicted to be deleterious by in silico analysis. Based on the available evidence, the clinical significance of this variant remains unclear.

Labcorp Genetics (formerly Invitae), Labcorp
Classification: Uncertain significance. Last evaluated: 2023-02-11. Review status: criteria provided, single submitter. Criteria: Invitae Variant Classification Sherloc (09022015). Collection method: clinical testing. Allele origin: germline.
Comment: In summary, the available evidence is currently insufficient to determine the role of this variant in disease. Therefore, it has been classified as a Variant of Uncertain Significance. Algorithms developed to predict the effect of missense changes on protein structure and function are either unavailable or do not agree on the potential impact of this missense change (SIFT: "Deleterious"; PolyPhen-2: "Probably Damaging"; Align-GVGD: "Class C0"). This variant has not been reported in the literature in individuals affected with MSH3-related conditions. ClinVar contains an entry for this variant (Variation ID: 1039642). This sequence change replaces arginine, which is basic and polar, with glycine, which is neutral and non-polar, at codon 457 of the MSH3 protein (p.Arg457Gly). This variant is not present in population databases (gnomAD no frequency).

NM_002439.5(MSH3):c.1369A>G (p.Arg457Gly)

Gene: MSH3 (mutS homolog 3; plus strand). Cytogenetic location: 5q14.1.
Variant type: single nucleotide variant.
Coding change: c.1369A>G on transcript NM_002439.5 (MANE Select); coding-DNA position 1369, A replaced by G.
Protein change: p.Arg457Gly; replaces arginine 457 with glycine.
Molecular consequence: missense variant.
Genome position (GRCh38, 1-based): chr5:80,725,481, A>G. VCF-style: chr5-80725481-A-G. GRCh37 (hg19) VCF-style: chr5-80021300-A-G.
Other names: c.1369A>G (NM_002439.3); short protein forms R457G.
Identifiers: ClinVar variation 1039642 (VCV001039642.9), dbSNP rs1743269725, ClinGen allele CA360273403.